The following is an entry in ClinVar:

ClinVar aggregate classification (germline): Uncertain significance (1 of 4 stars; one submission).

Submission:

Ambry Genetics
Classification: Uncertain significance. Last evaluated: 2023-12-21. Review status: criteria provided, single submitter. Criteria: Ambry Variant Classification Scheme 2023. Collection method: clinical testing. Allele origin: germline.
Comment: The p.S170N variant (also known as c.509G>A), located in coding exon 7 of the RAD54L gene, results from a G to A substitution at nucleotide position 509. The serine at codon 170 is replaced by asparagine, an amino acid with highly similar properties. This amino acid position is conserved. In addition, this alteration is predicted to be tolerated by in silico analysis. Since supporting evidence is limited at this time, the clinical significance of this alteration remains unclear.

NM_003579.4(RAD54L):c.509G>A (p.Ser170Asn)

Gene: RAD54L (RAD54 like; plus strand). Cytogenetic location: 1p34.1.
Variant type: single nucleotide variant.
Coding change: c.509G>A on transcript NM_003579.4 (MANE Select); coding-DNA position 509, G replaced by A.
Protein change: p.Ser170Asn; replaces serine 170 with asparagine.
Molecular consequence: missense variant. On other transcripts: 5 prime UTR variant (1).
Genome position (GRCh38, 1-based): chr1:46,260,758, G>A. VCF-style: chr1-46260758-G-A. GRCh37 (hg19) VCF-style: chr1-46726430-G-A.
Other names: c.509G>A, p.Ser170Asn (NM_001142548.2); c.-32G>A (NM_001370766.1); short protein forms S170N.
Identifiers: ClinVar variation 3223449 (VCV003223449.1), dbSNP rs2148288101, ClinGen allele CA340185645.